The following is an entry in ClinVar:

NM_021813.4(BACH2):c.625G>A (p.Glu209Lys)

Gene: BACH2 (BACH transcriptional regulator 2; minus strand). Cytogenetic location: 6q15.
Variant type: single nucleotide variant.
Coding change: c.625G>A on transcript NM_021813.4 (MANE Select); coding-DNA position 625, G replaced by A.
Protein change: p.Glu209Lys; replaces glutamic acid 209 with lysine.
Molecular consequence: missense variant.
Genome position (GRCh38, 1-based): chr6:89,951,481, C>T on the plus strand (G>A on the coding strand, the complement: BACH2 is on the minus strand). VCF-style: chr6-89951481-C-T. GRCh37 (hg19) VCF-style: chr6-90661200-C-T.
Other names: c.625G>A, p.Glu209Lys (NM_001170794.2); c.625G>A (NM_021813.2); short protein forms E209K.
Identifiers: ClinVar variation 1949049 (VCV001949049.6), dbSNP rs1264963624, ClinGen allele CA365072598.

ClinVar aggregate classification (germline): Uncertain significance. Review status: criteria provided, multiple submitters, no conflicts (2 of 4 stars). 2 submissions from 2 submitters: Uncertain significance (2). Last evaluated 2024-11-07.

Allele frequency attached by ClinVar (database versions not stated): gnomAD 0.00002; gnomAD exomes 0.00002; TOPMed 0.00003.
gnomAD v4.1: 16 of 1,614,128 alleles (0.00099%); highest among the groups gnomAD compares: African/African-American, 0.0027%; no homozygotes.

Submissions (2):

Ambry Genetics
Classification: Uncertain significance. Last evaluated: 2024-11-07. Review status: criteria provided, single submitter. Criteria: Ambry Variant Classification Scheme 2023. Collection method: clinical testing. Allele origin: germline.

Labcorp Genetics (formerly Invitae), Labcorp
Classification: Uncertain significance. Last evaluated: 2022-10-19. Review status: criteria provided, single submitter. Criteria: Invitae Variant Classification Sherloc (09022015). Collection method: clinical testing. Allele origin: germline.
Comment: This sequence change replaces glutamic acid, which is acidic and polar, with lysine, which is basic and polar, at codon 209 of the BACH2 protein (p.Glu209Lys). This variant is present in population databases (no rsID available, gnomAD 0.02%). This variant has not been reported in the literature in individuals affected with BACH2-related conditions. Advanced modeling of protein sequence and biophysical properties (such as structural, functional, and spatial information, amino acid conservation, physicochemical variation, residue mobility, and thermodynamic stability) performed at Invitae indicates that this missense variant is not expected to disrupt BACH2 protein function. In summary, the available evidence is currently insufficient to determine the role of this variant in disease. Therefore, it has been classified as a Variant of Uncertain Significance.